The following is an entry in ClinVar:

ClinVar aggregate classification (germline): Uncertain significance (1 of 4 stars; one submission).

Conditions:
Cardiovascular phenotype. Identifiers: MedGen CN230736.
Hereditary cancer-predisposing syndrome. Also called: Tumor predisposition; Neoplastic Syndromes, Hereditary; Hereditary Cancer Syndrome; Hereditary neoplastic syndrome. Identifiers: Orphanet 140162, MedGen C0027672, MeSH D009386, MONDO:0015356.

Submission:

Ambry Genetics
Classification: Uncertain significance for Cardiovascular phenotype; Hereditary cancer-predisposing syndrome. Last evaluated: 2025-01-07. Review status: criteria provided, single submitter. Criteria: Ambry Variant Classification Scheme 2023. Collection method: clinical testing. Allele origin: germline.
Comment: The p.L2052V variant (also known as c.6154C>G), located in coding exon 41 of the NF1 gene, results from a C to G substitution at nucleotide position 6154. The leucine at codon 2052 is replaced by valine, an amino acid with highly similar properties. This amino acid position is conserved. In addition, this alteration is predicted to be tolerated by in silico analysis. Based on the available evidence, the clinical significance of this variant remains unclear.

NM_001042492.3(NF1):c.6217C>G (p.Leu2073Val)

Gene: NF1 (neurofibromin 1; plus strand). Cytogenetic location: 17q11.2.
Variant type: single nucleotide variant.
Coding change: c.6217C>G on transcript NM_001042492.3 (MANE Select); coding-DNA position 6217, C replaced by G.
Protein change: p.Leu2073Val; replaces leucine 2073 with valine.
Molecular consequence: missense variant.
Genome position (GRCh38, 1-based): chr17:31,336,704, C>G. VCF-style: chr17-31336704-C-G. GRCh37 (hg19) VCF-style: chr17-29663722-C-G.
Other names: c.6154C>G, p.Leu2052Val (NM_000267.4); short protein forms L2073V, L2052V.
Identifiers: ClinVar variation 3879050 (VCV003879050.1).
Genomic context (GRCh38, chr17:31,336,704, plus strand): 5'-AGGATGTGCAAAATAATTGACAAGACATGCTTATCTCCAACTCCTACTTTAGAACAACAT[C>G]TTATGTGGGATGATATTGCTATTTTAGCACGCTACATGCTGATGCTGTCCTTCAACAATT-3'
Protein context (NP_001035957.1, residues 2063-2083): LSPTPTLEQH[Leu2073Val]MWDDIAILAR